The following is an entry in ClinVar:

ClinVar aggregate classification (germline): Uncertain significance (1 of 4 stars; one submission).

Conditions:
Hereditary cancer-predisposing syndrome. Also called: Neoplastic Syndromes, Hereditary; Tumor predisposition; Hereditary Cancer Syndrome; Hereditary neoplastic syndrome. Identifiers: Orphanet 140162, MedGen C0027672, MeSH D009386, MONDO:0015356.

Submission:

Ambry Genetics
Classification: Uncertain significance for Hereditary cancer-predisposing syndrome. Last evaluated: 2025-09-21. Review status: criteria provided, single submitter. Criteria: Ambry Variant Classification Scheme 2023. Collection method: clinical testing. Allele origin: germline.
Comment: The p.A533S variant (also known as c.1597G>T), located in coding exon 5 of the AXIN2 gene, results from a G to T substitution at nucleotide position 1597. The alanine at codon 533 is replaced by serine, an amino acid with similar properties. This amino acid position is conserved. In addition, this alteration is predicted to be tolerated by in silico analysis. Based on the available evidence, the clinical significance of this variant remains unclear.

NM_004655.4(AXIN2):c.1597G>T (p.Ala533Ser)

Gene: AXIN2 (axin 2; minus strand). Cytogenetic location: 17q24.1.
Variant type: single nucleotide variant.
Coding change: c.1597G>T on transcript NM_004655.4 (MANE Select); coding-DNA position 1597, G replaced by T.
Protein change: p.Ala533Ser; replaces alanine 533 with serine.
Molecular consequence: missense variant.
Genome position (GRCh38, 1-based): chr17:65,537,439, C>A on the plus strand (G>T on the coding strand, the complement: AXIN2 is on the minus strand). VCF-style: chr17-65537439-C-A. GRCh37 (hg19) VCF-style: chr17-63533557-C-A.
Other names: c.1597G>T, p.Ala533Ser (NM_001363813.1); short protein forms A533S.
Identifiers: ClinVar variation 4619530 (VCV004619530.1).